The following is an entry in ClinVar:

ClinVar aggregate classification (germline): Benign. Review status: reviewed by expert panel (3 of 4 stars). 21 submissions from 21 submitters: Benign (1). 20 of the submissions do not count toward it. Last evaluated 2015-08-10.

Conditions:
Hereditary cancer-predisposing syndrome. Also called: Neoplastic Syndromes, Hereditary; Tumor predisposition; Hereditary Cancer Syndrome; Hereditary neoplastic syndrome. Identifiers: Orphanet 140162, MedGen C0027672, MeSH D009386, MONDO:0015356.
Breast neoplasm. Also called: Neoplasm of breast; Breast tumor; Breast Neoplasms; Neoplasm of the breast. Identifiers: MedGen C1458155, MeSH D001943, MONDO:0021100, HP:0100013. Disease mechanism: gain of function.
Familial cancer of breast. Also called: BREAST CANCER, FAMILIAL; Hereditary breast cancer; hereditary breast carcinoma. Identifiers: Orphanet 227535, MedGen C0346153, MONDO:0016419, OMIM 114480. Disease mechanism: loss of function.
Breast-ovarian cancer, familial, susceptibility to, 2 (BROVCA2). Also called: BRCA2 Hereditary Breast and Ovarian Cancer. Identifiers: Orphanet 145, MedGen C2675520, MONDO:0012933, OMIM 612555. Disease mechanism: loss of function.
Hereditary breast ovarian cancer syndrome. Also called: Hereditary breast and ovarian cancer; Breast and ovarian cancer; Hereditary breast and/or ovarian cancer syndrome; Hereditary breast and ovarian cancer syndrome (HBOC); Hereditary breast and ovarian cancer syndrome; BRCA1- and BRCA2-Associated Hereditary Breast and Ovarian Cancer. Identifiers: Orphanet 145, MedGen C0677776, MeSH D061325, MONDO:0003582. Disease mechanism: loss of function.

Allele frequency attached by ClinVar (database versions not stated): ExAC 0.00005; gnomAD exomes 0.00006 and 0.00011; gnomAD 0.00009 and 0.00010; ESP Exome Variant Server 0.00015; TOPMed 0.00017.
gnomAD v4.1: 97 of 1,614,034 alleles (0.006%); highest among the groups gnomAD compares: Admixed American, 0.048%; no homozygotes.

Submissions 1 to 16 of 21:

Evidence-based Network for the Interpretation of Germline Mutant Alleles (ENIGMA)
Classification: Benign for Breast-ovarian cancer, familial 2. Last evaluated: 2015-08-10. Review status: reviewed by expert panel. Criteria: ENIGMA BRCA1/2 Classification Criteria (2015). Collection method: curation. Allele origin: germline.
Comment: IARC class based on posterior probability from multifactorial likelihood analysis, thresholds for class as per Plon et al. 2008 (PMID: 18951446). Class 1 based on posterior probability = 0.0000000919

CeGaT Center for Human Genetics Tuebingen
Classification: Benign. Last evaluated: 2026-05-01. Review status: criteria provided, single submitter. Criteria: CeGaT Center For Human Genetics Tuebingen Variant Classification Criteria Version 2. Collection method: clinical testing. Allele origin: germline. Affected: yes. Observed: 1 variant allele. Not counted in ClinVar's aggregate classification.
Comment: BRCA2: BP1, BP4, BS3:Supporting, BS1

Labcorp Genetics (formerly Invitae), Labcorp
Classification: Benign for Hereditary breast ovarian cancer syndrome. Last evaluated: 2026-01-31. Review status: criteria provided, single submitter. Criteria: Invitae Variant Classification Sherloc (09022015). Collection method: clinical testing. Allele origin: germline. Not counted in ClinVar's aggregate classification.

Dasa
Classification: Benign for Breast-ovarian cancer, familial, susceptibility to, 2. Last evaluated: 2025-11-12. Review status: criteria provided, single submitter. Criteria: DASA Assertion Criteria. Collection method: clinical testing. Allele origin: germline. Not counted in ClinVar's aggregate classification.
Comment: NM_000059.4(BRCA2):c.10045A>G (p.Thr3349Ala) is a missense variant that results in the substitution of threonine with alanine. Population frequency is inconsistent with a disease-causing role for this variant, functional evidence is consistent with no deleterious impact on the gene or gene product, and the variant context is inconsistent with a known disease-causing mechanism. Therefore, based on the currently available evidence, this variant is classified as benign.

Center for Genomic Medicine, Rigshospitalet, Copenhagen University Hospital
Classification: Benign. Last evaluated: 2025-03-04. Review status: criteria provided, single submitter. Criteria: ACMG Guidelines, 2015. Collection method: clinical testing. Allele origin: germline. Not counted in ClinVar's aggregate classification.

All of Us Research Program, National Institutes of Health
Classification: Likely benign for Breast-ovarian cancer, familial, susceptibility to, 2. Last evaluated: 2023-12-01. Review status: criteria provided, single submitter. Criteria: ACMG Guidelines, 2015. Collection method: clinical testing. Allele origin: germline. Inheritance: Autosomal dominant inheritance. Observed: 21 variant alleles, 21 heterozygotes. Not counted in ClinVar's aggregate classification.
Comment: This study involves interpretation of variants in research participants for the purpose of population health screening. Participant phenotype was not available at the time of variant classification. Additional details can be found in publication PMID: 35346344, PMCID: PMC8962531

Quest Diagnostics Nichols Institute San Juan Capistrano
Classification: Benign. Last evaluated: 2023-05-05. Review status: criteria provided, single submitter. Criteria: Quest Diagnostics criteria. Collection method: clinical testing. Allele origin: unknown. Not counted in ClinVar's aggregate classification.

Sema4
Classification: Likely benign for Hereditary cancer-predisposing syndrome. Last evaluated: 2021-02-03. Review status: criteria provided, single submitter. Criteria: Sema4 Curation Guidelines. Collection method: curation. Allele origin: germline. Not counted in ClinVar's aggregate classification.

Women's Health and Genetics/Laboratory Corporation of America, LabCorp
Classification: Benign. Last evaluated: 2020-09-28. Review status: criteria provided, single submitter. Criteria: LabCorp Variant Classification Summary - May 2015. Collection method: clinical testing. Allele origin: germline. Not counted in ClinVar's aggregate classification.
Comment: Variant summary: BRCA2 c.10045A>G (p.Thr3349Ala) results in a non-conservative amino acid change in the encoded protein sequence. Four of five in-silico tools predict a damaging effect of the variant on protein function. The variant allele was found at a frequency of 0.00012 in 251290 control chromosomes. This frequency is not significantly higher than expected for a pathogenic variant in BRCA2 causing Hereditary Breast And Ovarian Cancer Syndrome (0.00012 vs 0.00075), allowing no conclusion about variant significance. c.10045A>G has been reported in the literature in individuals affected with Hereditary Breast and Ovarian Cancer without strong evidence of causality. One patient with the variant showed retention of the wild-type allele and loss of the allele harbouring the variant, suggesting the variant is not deleterious (Osorio_2002). Multifactorial models that incorporate family history, co-segregation, co-occurrence, and tumor pathology has predicted the variant to be likely neutral (Easton_2007, Lindor_2012). Multiple publications report experimental evidence evaluating an impact on protein function: splicing is not affected (Houdayer_2012) and HDR and cell survival assays show no difference from WT controls (Mesman_2018), altogether suggesting the variant has no effect on protein function. Seven clinical diagnostic laboratories and one expert panel (ENIGMA) have submitted clinical-significance assessments for this variant to ClinVar after 2014 without evidence for independent evaluation. All submitters classified the variant as benign (n=3)/likely benign (n=5). Several submitters cite overlapping evidence utilized in the context of this evaluation. Based on the evidence outlined above, the variant was classified as benign.

Department of Pathology and Laboratory Medicine, Sinai Health System
Classification: Likely benign for Familial cancer of breast; Breast-ovarian cancer, familial, susceptibility to, 2. Last evaluated: 2020-03-24. Review status: criteria provided, single submitter. Criteria: ACMG Guidelines, 2015. Collection method: clinical testing. Allele origin: germline. Affected: yes. Not counted in ClinVar's aggregate classification.

GeneDx
Classification: Benign. Last evaluated: 2019-10-24. Review status: criteria provided, single submitter. Criteria: GeneDx Variant Classification Process June 2021. Collection method: clinical testing. Allele origin: germline. Affected: yes. Not counted in ClinVar's aggregate classification.
Comment: This variant is associated with the following publications: (PMID: 25637381, 21120943, 26420498, 10755399, 18403564, 22505045, 24323938, 21520273, 20104584, 12955716, 11979449, 25682074, 25348012, 17924331, 21990134, 29988080, 32123317)

Mendelics
Classification: Likely benign for Breast-ovarian cancer, familial, susceptibility to, 2. Last evaluated: 2019-05-28. Review status: criteria provided, single submitter. Criteria: Mendelics Assertion Criteria 2017. Collection method: clinical testing. Allele origin: unknown. Not counted in ClinVar's aggregate classification.

Laboratory for Molecular Medicine, Mass General Brigham Personalized Medicine
Classification: Likely benign. Last evaluated: 2016-03-28. Review status: criteria provided, single submitter. Criteria: LMM Criteria. Collection method: clinical testing. Allele origin: germline. Not counted in ClinVar's aggregate classification.
Comment: Variant identified in a genome or exome case(s) and assessed due to predicted null impact of the variant or pathogenic assertions in the literature or databases. Disclaimer: This variant has not undergone full assessment. The following are preliminary notes: ExAC: 5/11516 Latino; ClinVar: 4 B/LB, 1 VUS

Vantari Genetics
Classification: Likely benign for Hereditary cancer-predisposing syndrome. Last evaluated: 2016-02-04. Review status: criteria provided, single submitter. Criteria: ACMG Guidelines, 2015. Collection method: clinical testing. Allele origin: germline. Not counted in ClinVar's aggregate classification.

Color Diagnostics, LLC DBA Color Health
Classification: Likely benign for Hereditary cancer-predisposing syndrome. Last evaluated: 2015-06-08. Review status: criteria provided, single submitter. Criteria: ACMG Guidelines, 2015. Collection method: clinical testing. Allele origin: germline. Not counted in ClinVar's aggregate classification.

Ambry Genetics
Classification: Benign for Hereditary cancer-predisposing syndrome. Last evaluated: 2014-11-19. Review status: criteria provided, single submitter. Criteria: Ambry Variant Classification Scheme 2023. Collection method: clinical testing. Allele origin: germline. Not counted in ClinVar's aggregate classification.

NM_000059.4(BRCA2):c.10045A>G (p.Thr3349Ala)

Gene: BRCA2 (BRCA2 DNA repair associated; plus strand). Cytogenetic location: 13q13.1.
Variant type: single nucleotide variant.
Coding change: c.10045A>G on transcript NM_000059.4 (MANE Select); coding-DNA position 10045, A replaced by G.
Protein change: p.Thr3349Ala; replaces threonine 3349 with alanine.
Molecular consequence: missense variant.
Genome position (GRCh38, 1-based): chr13:32,398,558, A>G. VCF-style: chr13-32398558-A-G. GRCh37 (hg19) VCF-style: chr13-32972695-A-G.
Other names: p.T3349A:ACC>GCC; 10273A>G; short protein forms T3349A.
Identifiers: ClinVar variation 37719 (VCV000037719.39), dbSNP rs80358387, ClinGen allele CA010094.
Genomic context (GRCh38, chr13:32,398,558, plus strand): 5'-AATGAAATTTCTCTTTTGGAAAGTAATTCAATAGCTGACGAAGAACTTGCATTGATAAAT[A>G]CCCAAGCTCTTTTGTCTGGTTCAACAGGAGAAAAACAATTTATATCTGTCAGTGAATCCA-3'
Protein context (NP_000050.3, residues 3339-3359): IADEELALIN[Thr3349Ala]QALLSGSTGE